The following is an entry in ClinVar:

ClinVar aggregate classification (germline): Pathogenic (1 of 4 stars; one submission).

Conditions:
Inborn genetic diseases. Identifiers: MedGen C0950123, MeSH D030342.

Submission:

Ambry Genetics
Classification: Pathogenic for Inborn genetic diseases. Last evaluated: 2021-09-09. Review status: criteria provided, single submitter. Criteria: Ambry Variant Classification Scheme 2023. Collection method: clinical testing. Allele origin: germline.
Comment: The c.1272delG (p.R425Gfs*36) alteration, located in exon 7 (coding exon 7) of the JARID2 gene, consists of a deletion of one nucleotide at position 1272, causing a translational frameshift with a predicted alternate stop codon after 36 amino acids. This alteration is expected to result in loss of function by premature protein truncation or nonsense-mediated mRNA decay. This variant was not reported in population-based cohorts in the Genome Aggregation Database (gnomAD). Based on the available evidence, this alteration is classified as pathogenic.

NM_004973.4(JARID2):c.1272del (p.Arg425fs)

Gene: JARID2 (jumonji and AT-rich interaction domain containing 2; plus strand). Cytogenetic location: 6p22.3.
Variant type: Deletion.
Coding change: c.1272del on transcript NM_004973.4 (MANE Select); coding-DNA position 1272, one base deleted (G; older notation c.1272delG).
Protein change: p.Arg425fs; shifts the reading frame from arginine 425.
Molecular consequence: frameshift variant.
Genome position (GRCh38, 1-based): chr6:15,496,497, G deleted; the last of 7 consecutive G bases (chr6:15,496,491-15,496,497); deleting any one gives the same sequence. VCF-style (leftmost placement, unchanged base first): chr6-15496490-TG-T. GRCh37 (hg19) VCF-style: chr6-15496721-TG-T.
Other names: c.756del, p.Arg253fs (NM_001267040.1); short protein forms R425fs, R253fs.
Identifiers: ClinVar variation 2216682 (VCV002216682.2), dbSNP rs747291227, ClinGen allele CA448952912.
Genomic context (GRCh38, chr6:15,496,490, plus strand): 5'-CCGCCGTCAATGGCCTCAAGGTCAGTGGCAGGTTGAACCCAAAGTCATGCACTAAGGAGG[TG>T]GGGGGGCGGCAGCTGCGGGAGGGCCTGCAGCTGCGGGAGGGGCTGCGGAACTCCAAGAGG-3'